The following is an entry in ClinVar:

ClinVar aggregate classification (germline): Likely pathogenic (1 of 4 stars; one submission).

Conditions:
Autosomal recessive limb-girdle muscular dystrophy type 2J (LGMDR10). Also called: MUSCULAR DYSTROPHY, LIMB-GIRDLE, AUTOSOMAL RECESSIVE 10; Limb-girdle muscular dystrophy, type 2J. Identifiers: Orphanet 140922, MedGen C1837342, MONDO:0012127, OMIM 608807.
Dilated cardiomyopathy 1G (CMD1G). Identifiers: Orphanet 154, MedGen C1858763, MONDO:0011400, OMIM 604145.

Submission:

Labcorp Genetics (formerly Invitae), Labcorp
Classification: Likely pathogenic for Dilated cardiomyopathy 1G; Autosomal recessive limb-girdle muscular dystrophy type 2J. Last evaluated: 2025-09-21. Review status: criteria provided, single submitter. Criteria: Invitae Variant Classification Sherloc (09022015). Collection method: clinical testing. Allele origin: germline.
Comment: This sequence change creates a premature translational stop signal (p.Trp18319*) in the TTN gene. While this is not anticipated to result in nonsense mediated decay, it is expected to create a truncated TTN protein. This variant is not present in population databases (gnomAD no frequency). This premature translational stop signal has been observed in individual(s) with dilated cardiomyopathy (internal data). This variant is located in the A band of TTN (PMID: 25589632). Truncating variants in this region are significantly overrepresented in patients affected with dilated cardiomyopathy (PMID: 25589632). Truncating variants in this region have also been reported in individuals affected with autosomal recessive centronuclear myopathy (PMID: 23975875). In summary, the currently available evidence indicates that the variant is pathogenic, but additional data are needed to prove that conclusively. Therefore, this variant has been classified as Likely Pathogenic.

Literature cited by the submitters: PubMed 25589632; PubMed 23975875.

NM_001267550.2(TTN):c.54956G>A (p.Trp18319Ter)

Genes: TTN (titin; minus strand), TTN-AS1 (TTN antisense RNA 1; plus strand). Cytogenetic location: 2q31.2.
Variant type: single nucleotide variant.
Coding change: c.54956G>A on transcript NM_001267550.2 (MANE Select); coding-DNA position 54956, G replaced by A.
Protein change: p.Trp18319Ter; replaces tryptophan 18319 with a stop codon.
Molecular consequence: nonsense.
Genome position (GRCh38, 1-based): chr2:178,602,446, C>T on the plus strand (G>A on the coding strand, the complement: TTN is on the minus strand). VCF-style: chr2-178602446-C-T. GRCh37 (hg19) VCF-style: chr2-179467173-C-T.
Other names: c.50033G>A, p.Trp16678Ter (NM_001256850.1); c.27761G>A, p.Trp9254Ter (NM_003319.4); c.47252G>A, p.Trp15751Ter (NM_133378.4); c.28136G>A, p.Trp9379Ter (NM_133432.3); c.28337G>A, p.Trp9446Ter (NM_133437.4); short protein forms W15751*, W18319*, W9379*, W9446*, W16678*, W9254*.
Identifiers: ClinVar variation 4793467 (VCV004793467.1).